The following is an entry in ClinVar:

ClinVar aggregate classification (germline): Uncertain significance (1 of 4 stars; one submission).

Conditions:
Nephronophthisis. Also called: Juvenile Nephronophthisis. Identifiers: Orphanet 655, MedGen C0687120, MONDO:0019005, HP:0000090.
Jeune thoracic dystrophy. Also called: Jeune syndrome; Infantile thoracic dystrophy; Thoracic pelvic phalangeal dystrophy; Jeune's syndrome; Chondroectodermal dysplasia-like syndrome; Short-rib thoracic dysplasia. Identifiers: Orphanet 474, MedGen C0265275, MONDO:0018770.

gnomAD v4.1: 2 of 1,613,642 alleles (0.00012%); highest among the groups gnomAD compares: Non-Finnish European, 0.00017%; no homozygotes.

Submission:

Labcorp Genetics (formerly Invitae), Labcorp
Classification: Uncertain significance for Jeune thoracic dystrophy; Nephronophthisis. Last evaluated: 2021-08-25. Review status: criteria provided, single submitter. Criteria: Invitae Variant Classification Sherloc (09022015). Collection method: clinical testing. Allele origin: germline.
Comment: This sequence change replaces arginine with threonine at codon 40 of the TTC21B protein (p.Arg40Thr). The arginine residue is moderately conserved and there is a moderate physicochemical difference between arginine and threonine. This variant is not present in population databases (ExAC no frequency). This variant has not been reported in the literature in individuals affected with TTC21B-related conditions. Algorithms developed to predict the effect of missense changes on protein structure and function (SIFT, PolyPhen-2, Align-GVGD) all suggest that this variant is likely to be tolerated. In summary, the available evidence is currently insufficient to determine the role of this variant in disease. Therefore, it has been classified as a Variant of Uncertain Significance.

NM_024753.5(TTC21B):c.119G>C (p.Arg40Thr)

Gene: TTC21B (tetratricopeptide repeat domain 21B; minus strand). Cytogenetic location: 2q24.3.
Variant type: single nucleotide variant.
Coding change: c.119G>C on transcript NM_024753.5 (MANE Select); coding-DNA position 119, G replaced by C.
Protein change: p.Arg40Thr; replaces arginine 40 with threonine.
Molecular consequence: missense variant.
Genome position (GRCh38, 1-based): chr2:165,949,627, C>G on the plus strand (G>C on the coding strand, the complement: TTC21B is on the minus strand). VCF-style: chr2-165949627-C-G. GRCh37 (hg19) VCF-style: chr2-166806137-C-G.
Other names: short protein forms R40T.
Identifiers: ClinVar variation 1427659 (VCV001427659.6), dbSNP rs1687700084, ClinGen allele CA349056259.